The following is an entry in ClinVar:

NM_014014.5(SNRNP200):c.2542G>A (p.Asp848Asn)

Gene: SNRNP200 (small nuclear ribonucleoprotein U5 subunit 200; minus strand). Cytogenetic location: 2q11.2.
Variant type: single nucleotide variant.
Coding change: c.2542G>A on transcript NM_014014.5 (MANE Select); coding-DNA position 2542, G replaced by A.
Protein change: p.Asp848Asn; replaces aspartic acid 848 with asparagine.
Molecular consequence: missense variant.
Genome position (GRCh38, 1-based): chr2:96,290,695, C>T on the plus strand (G>A on the coding strand, the complement: SNRNP200 is on the minus strand). VCF-style: chr2-96290695-C-T. GRCh37 (hg19) VCF-style: chr2-96956433-C-T.
Other names: short protein forms D848N.
Identifiers: ClinVar variation 337552 (VCV000337552.14), dbSNP rs757811344, ClinGen allele CA1778679.

ClinVar aggregate classification (germline): Uncertain significance. Review status: criteria provided, multiple submitters, no conflicts (2 of 4 stars). 2 submissions from 2 submitters: Uncertain significance (2). Last evaluated 2019-09-28.

Conditions:
Retinitis pigmentosa (RP). Identifiers: Orphanet 791, MedGen C0035334, MeSH D012174, MONDO:0019200, OMIM 268000. Inheritance: Autosomal dominant, autosomal recessive and X linked inheritance.

Allele frequency attached by ClinVar (database versions not stated): gnomAD exomes 0.00001; TOPMed 0.00001; ExAC 0.00002.
gnomAD v4.1: 8 of 1,614,214 alleles (0.0005%); highest among the groups gnomAD compares: Non-Finnish European, 0.00034%; no homozygotes.

Submissions (2):

Labcorp Genetics (formerly Invitae), Labcorp
Classification: Uncertain significance. Last evaluated: 2019-09-28. Review status: criteria provided, single submitter. Criteria: Invitae Variant Classification Sherloc (09022015). Collection method: clinical testing. Allele origin: germline.
Comment: In summary, the available evidence is currently insufficient to determine the role of this variant in disease. Therefore, it has been classified as a Variant of Uncertain Significance. Algorithms developed to predict the effect of missense changes on protein structure and function are either unavailable or do not agree on the potential impact of this missense change (SIFT: "Deleterious"; PolyPhen-2: "Probably Damaging"; Align-GVGD: "Class C0"). This variant has not been reported in the literature in individuals with SNRNP200-related conditions. ClinVar contains an entry for this variant (Variation ID: 337552). This variant is present in population databases (rs757811344, ExAC 0.01%). This sequence change replaces aspartic acid with asparagine at codon 848 of the SNRNP200 protein (p.Asp848Asn). The aspartic acid residue is highly conserved and there is a small physicochemical difference between aspartic acid and asparagine.

Illumina Laboratory Services, Illumina
Classification: Uncertain significance for Retinitis pigmentosa. Last evaluated: 2018-01-12. Review status: criteria provided, single submitter. Criteria: ICSL Variant Classification Criteria 13 December 2019. Collection method: clinical testing. Allele origin: germline.